The following is an entry in ClinVar:

ClinVar aggregate classification (germline): Benign/Likely benign. Review status: criteria provided, multiple submitters, no conflicts (2 of 4 stars). 4 submissions from 4 submitters: Benign (1); Likely benign (2). 1 of the submissions does not count toward it. Last evaluated 2026-05-04.

Conditions:
MLH3-related disorder. Also called: MLH3-related condition.
Colorectal cancer, hereditary nonpolyposis, type 7. Identifiers: Orphanet 144, MedGen C1858380, MONDO:0013725, OMIM 614385.

Allele frequency attached by ClinVar (database versions not stated): gnomAD exomes 0.00001 and 0.00004; ExAC 0.00006; TOPMed 0.00008; 1000 Genomes Project 30x 0.00031; gnomAD 0.00012; ESP Exome Variant Server 0.00031; 1000 Genomes Project 0.00020.
gnomAD v4.1: 37 of 1,614,076 alleles (0.0023%); highest among the groups gnomAD compares: African/African-American, 0.029%; no homozygotes.

Submissions (4):

Myriad Genetics, Inc.
Classification: Benign for Colorectal cancer, hereditary nonpolyposis, type 7. Last evaluated: 2026-05-04. Review status: criteria provided, single submitter. Criteria: Myriad Autosomal Dominant, Autosomal Recessive and X-Linked Classification Criteria (2023). Collection method: clinical testing. Allele origin: unknown.
Comment: This variant is considered benign. This variant is a silent/synonymous amino acid change and it is not expected to impact splicing.

Labcorp Genetics (formerly Invitae), Labcorp
Classification: Likely benign for Colorectal cancer, hereditary nonpolyposis, type 7. Last evaluated: 2025-11-13. Review status: criteria provided, single submitter. Criteria: Invitae Variant Classification Sherloc (09022015). Collection method: clinical testing. Allele origin: germline.

Ambry Genetics
Classification: Likely benign. Last evaluated: 2021-08-17. Review status: criteria provided, single submitter. Criteria: Ambry Variant Classification Scheme 2023. Collection method: clinical testing. Allele origin: germline.

PreventionGenetics, part of Exact Sciences
Classification: Likely benign for MLH3-related condition. Last evaluated: 2021-11-22. Review status: no assertion criteria provided. Collection method: clinical testing. Allele origin: germline. Not counted in ClinVar's aggregate classification.
Comment: This variant is classified as likely benign based on ACMG/AMP sequence variant interpretation guidelines (Richards et al. 2015 PMID: 25741868, with internal and published modifications).

NM_001040108.2(MLH3):c.2241G>A (p.Leu747=)

Gene: MLH3 (mutL homolog 3; minus strand). Cytogenetic location: 14q24.3.
Variant type: single nucleotide variant.
Coding change: c.2241G>A on transcript NM_001040108.2 (MANE Select); coding-DNA position 2241, G replaced by A.
Protein change: p.Leu747=; no amino-acid change (leucine 747 retained).
Molecular consequence: synonymous variant.
Genome position (GRCh38, 1-based): chr14:75,047,415, C>T on the plus strand (G>A on the coding strand, the complement: MLH3 is on the minus strand). VCF-style: chr14-75047415-C-T. GRCh37 (hg19) VCF-style: chr14-75514118-C-T.
Other names: c.2241G>A, p.Leu747= (NM_014381.3).
Identifiers: ClinVar variation 544297 (VCV000544297.17), dbSNP rs139155264, ClinGen allele CA7275727.